The following is an entry in ClinVar:

NM_000059.4(BRCA2):c.6973G>A (p.Val2325Ile)

Gene: BRCA2 (BRCA2 DNA repair associated; plus strand). Cytogenetic location: 13q13.1.
Variant type: single nucleotide variant.
Coding change: c.6973G>A on transcript NM_000059.4 (MANE Select); coding-DNA position 6973, G replaced by A.
Protein change: p.Val2325Ile; replaces valine 2325 with isoleucine.
Molecular consequence: missense variant.
Genome position (GRCh38, 1-based): chr13:32,346,862, G>A. VCF-style: chr13-32346862-G-A. GRCh37 (hg19) VCF-style: chr13-32920999-G-A.
Other names: short protein forms V2325I.
Identifiers: ClinVar variation 826739 (VCV000826739.5), dbSNP rs757647065, ClinGen allele CA387793060.

ClinVar aggregate classification (germline): Conflicting classifications of pathogenicity. Review status: criteria provided, conflicting classifications (1 of 4 stars). 2 submissions from 2 submitters: Uncertain significance (1); Likely benign (1). Last evaluated 2024-03-05.

Conditions:
Hereditary cancer-predisposing syndrome. Also called: Neoplastic Syndromes, Hereditary; Tumor predisposition; Hereditary neoplastic syndrome; Hereditary Cancer Syndrome. Identifiers: Orphanet 140162, MedGen C0027672, MeSH D009386, MONDO:0015356.
BRCA2-related cancer predisposition. Identifiers: MedGen CN377758, MONDO:0700269.

Submissions (2):

All of Us Research Program, National Institutes of Health
Classification: Uncertain significance for BRCA2-related cancer predisposition. Last evaluated: 2024-03-05. Review status: criteria provided, single submitter. Criteria: ACMG Guidelines, 2015. Collection method: clinical testing. Allele origin: germline. Inheritance: Autosomal dominant inheritance. Observed: 1 variant allele, 1 heterozygote.
Comment: This study involves interpretation of variants in research participants for the purpose of population health screening. Participant phenotype was not available at the time of variant classification. Additional details can be found in publication PMID: 35346344, PMCID: PMC8962531

Ambry Genetics
Classification: Likely benign for Hereditary cancer-predisposing syndrome. Last evaluated: 2018-08-15. Review status: criteria provided, single submitter. Criteria: Ambry Variant Classification Scheme 2023. Collection method: clinical testing. Allele origin: germline.